The following is an entry in ClinVar:

ClinVar aggregate classification (germline): Uncertain significance. Review status: criteria provided, multiple submitters, no conflicts (2 of 4 stars). 3 submissions from 3 submitters: Uncertain significance (3). Last evaluated 2024-04-06.

Conditions:
Inborn genetic diseases. Identifiers: MedGen C0950123, MeSH D030342.

Allele frequency attached by ClinVar (database versions not stated): ExAC 0.00005; gnomAD 0.00007; TOPMed 0.00007; ESP Exome Variant Server 0.00025.
gnomAD v4.1: 78 of 1,613,762 alleles (0.0048%); highest among the groups gnomAD compares: African/African-American, 0.012%; no homozygotes.

Submissions (3):

Ambry Genetics
Classification: Uncertain significance for Inborn genetic diseases. Last evaluated: 2024-04-06. Review status: criteria provided, single submitter. Criteria: Ambry Variant Classification Scheme 2023. Collection method: clinical testing. Allele origin: germline.

Labcorp Genetics (formerly Invitae), Labcorp
Classification: Uncertain significance. Last evaluated: 2023-12-06. Review status: criteria provided, single submitter. Criteria: Invitae Variant Classification Sherloc (09022015). Collection method: clinical testing. Allele origin: germline.
Comment: This sequence change replaces arginine, which is basic and polar, with cysteine, which is neutral and slightly polar, at codon 2198 of the MYO18B protein (p.Arg2198Cys). This variant is present in population databases (rs372977526, gnomAD 0.008%). This variant has not been reported in the literature in individuals affected with MYO18B-related conditions. ClinVar contains an entry for this variant (Variation ID: 2191853). Algorithms developed to predict the effect of missense changes on protein structure and function output the following: SIFT: "Not Available"; PolyPhen-2: "Benign"; Align-GVGD: "Not Available". The cysteine amino acid residue is found in multiple mammalian species, which suggests that this missense change does not adversely affect protein function. In summary, the available evidence is currently insufficient to determine the role of this variant in disease. Therefore, it has been classified as a Variant of Uncertain Significance.

GeneDx
Classification: Uncertain significance. Last evaluated: 2023-11-19. Review status: criteria provided, single submitter. Criteria: GeneDx Variant Classification Process June 2021. Collection method: clinical testing. Allele origin: germline. Affected: yes.
Comment: In silico analysis supports that this missense variant does not alter protein structure/function; Has not been previously published as pathogenic or benign to our knowledge

NM_032608.7(MYO18B):c.6592C>T (p.Arg2198Cys)

Gene: MYO18B (myosin XVIIIB; plus strand). Cytogenetic location: 22q12.1.
Variant type: single nucleotide variant.
Coding change: c.6592C>T on transcript NM_032608.7 (MANE Select); coding-DNA position 6592, C replaced by T.
Protein change: p.Arg2198Cys; replaces arginine 2198 with cysteine.
Molecular consequence: missense variant.
Genome position (GRCh38, 1-based): chr22:26,026,566, C>T. VCF-style: chr22-26026566-C-T. GRCh37 (hg19) VCF-style: chr22-26422532-C-T.
Other names: c.6595C>T, p.Arg2199Cys (NM_001318245.2); c.6592C>T (NM_032608.5); short protein forms R2198C, R2199C.
Identifiers: ClinVar variation 2191853 (VCV002191853.5), dbSNP rs372977526, ClinGen allele CA10161567.